The following is an entry in ClinVar:

NM_001329943.3(KIAA0586):c.3168T>C (p.Pro1056=)

Gene: KIAA0586 (KIAA0586; plus strand). Cytogenetic location: 14q23.1.
Variant type: single nucleotide variant.
Coding change: c.3168T>C on transcript NM_001329943.3 (MANE Select); coding-DNA position 3168, T replaced by C.
Protein change: p.Pro1056=; no amino-acid change (proline 1056 retained).
Molecular consequence: synonymous variant.
Genome position (GRCh38, 1-based): chr14:58,487,030, T>C. VCF-style: chr14-58487030-T-C. GRCh37 (hg19) VCF-style: chr14-58953748-T-C.
Other names: c.3327T>C, p.Pro1109= (NM_001244189.2); c.3123T>C, p.Pro1041= (NM_001244190.2); c.2913T>C, p.Pro971= (NM_001244191.2, NM_001329945.2, NM_001364700.1 and 1 more transcripts); c.3036T>C, p.Pro1012= (NM_001244192.2); c.2748T>C, p.Pro916= (NM_001244193.2); c.3168T>C, p.Pro1056= (NM_001329944.2, NM_001329946.2, NM_001329947.2); c.2940T>C, p.Pro980= (NM_014749.5).
Identifiers: ClinVar variation 2627285 (VCV002627285.2), dbSNP rs1566880956, ClinGen allele CA486544462.

ClinVar aggregate classification (germline): Likely benign. Review status: criteria provided, multiple submitters, no conflicts (2 of 4 stars). 2 submissions from 2 submitters: Likely benign (2). Last evaluated 2025-03-06.

Conditions:
Short-rib thoracic dysplasia 14 with polydactyly (SRTD14). Identifiers: Orphanet 397715, MedGen C4225286, MONDO:0014688, OMIM 616546.
Joubert syndrome 23 (JBTS23). Identifiers: Orphanet 475, MedGen C4084822, MONDO:0014664, OMIM 616490.

Allele frequency attached by ClinVar (database versions not stated): gnomAD exomes 0.00001.
gnomAD v4.1: 13 of 1,611,988 alleles (0.00081%); highest among the groups gnomAD compares: Non-Finnish European, 0.0011%; no homozygotes.

Submissions (2):

Labcorp Genetics (formerly Invitae), Labcorp
Classification: Likely benign for Joubert syndrome 23; Short-rib thoracic dysplasia 14 with polydactyly. Last evaluated: 2025-03-06. Review status: criteria provided, single submitter. Criteria: Invitae Variant Classification Sherloc (09022015). Collection method: clinical testing. Allele origin: germline.

Women's Health and Genetics/Laboratory Corporation of America, LabCorp
Classification: Likely benign. Last evaluated: 2023-09-20. Review status: criteria provided, single submitter. Criteria: LabCorp Variant Classification Summary - May 2015. Collection method: clinical testing. Allele origin: germline.
Comment: Variant summary: KIAA0586 c.3327T>C alters a conserved nucleotide resulting in a synonymous change. Consensus agreement among computation tools predict no significant impact on normal splicing. However, these predictions have yet to be confirmed by functional studies. The variant allele was found at a frequency of 4e-06 in 247266 control chromosomes (gnomAD). The available data on variant occurrences in the general population are insufficient to allow any conclusion about variant significance. To our knowledge, no occurrence of c.3327T>C in individuals affected with Joubert Syndrome And Related Disorders and no experimental evidence demonstrating its impact on protein function have been reported. No submitters have cited clinical-significance assessments for this variant to ClinVar after 2014. Based on the evidence outlined above, the variant was classified as likely benign.